The following is an entry in ClinVar:

ClinVar aggregate classification (germline): Likely pathogenic (1 of 4 stars; one submission).

Conditions:
Autosomal recessive limb-girdle muscular dystrophy type 2J (LGMDR10). Also called: Limb-girdle muscular dystrophy, type 2J; MUSCULAR DYSTROPHY, LIMB-GIRDLE, AUTOSOMAL RECESSIVE 10. Identifiers: Orphanet 140922, MedGen C1837342, MONDO:0012127, OMIM 608807.
Dilated cardiomyopathy 1G (CMD1G). Identifiers: Orphanet 154, MedGen C1858763, MONDO:0011400, OMIM 604145.

Submission:

Labcorp Genetics (formerly Invitae), Labcorp
Classification: Likely pathogenic for Dilated cardiomyopathy 1G; Autosomal recessive limb-girdle muscular dystrophy type 2J. Last evaluated: 2024-10-18. Review status: criteria provided, single submitter. Criteria: Invitae Variant Classification Sherloc (09022015). Collection method: clinical testing. Allele origin: germline.
Comment: This sequence change creates a premature translational stop signal (p.Thr14486Lysfs*7) in the TTN gene. While this is not anticipated to result in nonsense mediated decay, it is expected to create a truncated TTN protein. This variant is not present in population databases (gnomAD no frequency). This variant has not been reported in the literature in individuals affected with TTN-related conditions. This variant is located in the I band of TTN (PMID: 25589632). Truncating variants in this region have been reported in individuals affected with autosomal recessive centronuclear myopathy (PMID: 23975875, internal data). Truncating variants in this region have also been identified in individuals affected with autosomal dominant dilated cardiomyopathy and/or cardio-related conditions (PMID: 27869827, 32964742, internal data). In summary, the currently available evidence indicates that the variant is pathogenic, but additional data are needed to prove that conclusively. Therefore, this variant has been classified as Likely Pathogenic.

Literature cited by the submitters: PubMed 25589632; PubMed 23975875; PubMed 27869827; PubMed 32964742.

NM_001267550.2(TTN):c.43457_43458del (p.Thr14486fs)

Gene: TTN (titin; minus strand). Cytogenetic location: 2q31.2.
Variant type: Microsatellite.
Coding change: c.43457_43458del on transcript NM_001267550.2 (MANE Select); coding-DNA positions 43457 to 43458, 2 bases deleted (CA; older notation c.43457_43458delCA).
Protein change: p.Thr14486fs; shifts the reading frame from threonine 14486.
Molecular consequence: frameshift variant.
Genome position (GRCh38, 1-based): chr2:178,632,548-178,632,549, TG deleted on the plus strand (CA on the coding strand, the reverse complement: TTN is on the minus strand); deleting any 2 consecutive bases within chr2:178,632,548-178,632,553 gives the same sequence; the c. name uses the placement nearest the transcript's 3' end. VCF-style (leftmost placement, unchanged base first): chr2-178632547-TTG-T. GRCh37 (hg19) VCF-style: chr2-179497274-TTG-T.
Other names: c.38534_38535del, p.Thr12845fs (NM_001256850.1); c.16262_16263del, p.Thr5421fs (NM_003319.4); c.35753_35754del, p.Thr11918fs (NM_133378.4); c.16637_16638del, p.Thr5546fs (NM_133432.3); c.16838_16839del, p.Thr5613fs (NM_133437.4); short protein forms T11918fs, T12845fs, T14486fs, T5421fs, T5546fs, T5613fs.
Identifiers: ClinVar variation 3752164 (VCV003752164.2).